The following is an entry in ClinVar:

NM_015202.5(KATNIP):c.4394_4395del (p.Val1465fs)

Gene: KATNIP (katanin interacting protein; plus strand). Cytogenetic location: 16p12.1.
Variant type: Deletion.
Coding change: c.4394_4395del on transcript NM_015202.5 (MANE Select); coding-DNA positions 4394 to 4395, 2 bases deleted (TG; older notation c.4394_4395delTG).
Protein change: p.Val1465fs; shifts the reading frame from valine 1465.
Molecular consequence: frameshift variant.
Genome position (GRCh38, 1-based): chr16:27,775,029-27,775,030, TG deleted; deleting any 2 consecutive bases within chr16:27,775,028-27,775,030 gives the same sequence; the c. name uses the placement nearest the transcript's 3' end. VCF-style (leftmost placement, unchanged base first): chr16-27775027-AGT-A. GRCh37 (hg19) VCF-style: chr16-27786348-AGT-A.
Other names: short protein forms V1465fs.
Identifiers: ClinVar variation 3362825 (VCV003362825.3).

ClinVar aggregate classification (germline): Likely pathogenic (1 of 4 stars; one submission).

Conditions:
Joubert syndrome 26 (JBTS26). Identifiers: Orphanet 475, MedGen C4084843, MONDO:0014771, OMIM 616784.

Submission:

Neuberg Centre For Genomic Medicine, NCGM
Classification: Likely pathogenic for Joubert syndrome 26. Review status: criteria provided, single submitter. Criteria: ACMG Guidelines, 2015. Collection method: clinical testing. Allele origin: germline. Inheritance: Autosomal recessive inheritance. Affected: yes.
Comment: The frameshift variant c.4394_4395del (p.Val1465GlufsTer5) in the KATNIP gene has not been reported previously as a pathogenic variant nor as a benign variant, to our knowledge. The variant is absent in gnomAD Exomes. This variant causes a frameshift starting with codon Valine 1465, changes this amino acid to Glutamic Acid residue, and creates a premature Stop codon at position 5 of the new reading frame. This variant is predicted to cause a loss of normal protein function through protein truncation. Loss of function variants has been previously reported to be disease-causing (Roosing et al., 2016). For these reasons, this variant has been classified as Likely Pathogenic.